The following is an entry in ClinVar:

NM_020184.4(CNNM4):c.686C>G (p.Ala229Gly)

Gene: CNNM4 (cyclin and CBS domain divalent metal cation transport mediator 4; plus strand). Cytogenetic location: 2q11.2.
Variant type: single nucleotide variant.
Coding change: c.686C>G on transcript NM_020184.4 (MANE Select); coding-DNA position 686, C replaced by G.
Protein change: p.Ala229Gly; replaces alanine 229 with glycine.
Molecular consequence: missense variant.
Genome position (GRCh38, 1-based): chr2:96,761,685, C>G. VCF-style: chr2-96761685-C-G. GRCh37 (hg19) VCF-style: chr2-97427422-C-G.
Other names: short protein forms A229G.
Identifiers: ClinVar variation 1417685 (VCV001417685.6), dbSNP rs1370234996, ClinGen allele CA347714730.
Genomic context (GRCh38, chr2:96,761,685, plus strand): 5'-TGGACCCCATGGAGCTGCGCATCGTGCAGAACTGTGGCACCGAGAAGGAGAGGCGCTATG[C>G]CCGCAAGATTGAGCCCATCCGGCGCAAGGGCAACTACCTTCTCTGCTCGTTGCTCCTAGG-3'
Protein context (NP_064569.3, residues 219-239): NCGTEKERRY[Ala229Gly]RKIEPIRRKG

ClinVar aggregate classification (germline): Uncertain significance (1 of 4 stars; one submission).

Allele frequency attached by ClinVar (database versions not stated): gnomAD exomes below 0.00001.
gnomAD v4.1: 3 of 1,610,256 alleles (0.00019%); highest among the groups gnomAD compares: Admixed American, 0.0017%; no homozygotes.

Submission:

Labcorp Genetics (formerly Invitae), Labcorp
Classification: Uncertain significance. Last evaluated: 2021-09-24. Review status: criteria provided, single submitter. Criteria: Invitae Variant Classification Sherloc (09022015). Collection method: clinical testing. Allele origin: germline.
Comment: In summary, the available evidence is currently insufficient to determine the role of this variant in disease. Therefore, it has been classified as a Variant of Uncertain Significance. Algorithms developed to predict the effect of missense changes on protein structure and function are either unavailable or do not agree on the potential impact of this missense change (SIFT: "Deleterious"; PolyPhen-2: "Probably Damaging"; Align-GVGD: "Class C0"). This variant has not been reported in the literature in individuals affected with CNNM4-related conditions. This variant is not present in population databases (ExAC no frequency). This sequence change replaces alanine with glycine at codon 229 of the CNNM4 protein (p.Ala229Gly). The alanine residue is highly conserved and there is a small physicochemical difference between alanine and glycine.